The following is an entry in ClinVar:

NM_005732.4(RAD50):c.3592C>T (p.Arg1198Ter)

Genes: TH2LCRR (T helper type 2 locus control region associated RNA; minus strand), RAD50 (RAD50 double strand break repair protein; plus strand), TH2-LCR (Th2 cytokine locus control region; plus strand). Cytogenetic location: 5q31.1.
Variant type: single nucleotide variant.
Coding change: c.3592C>T on transcript NM_005732.4 (MANE Select); coding-DNA position 3592, C replaced by T.
Protein change: p.Arg1198Ter; replaces arginine 1198 with a stop codon.
Molecular consequence: nonsense. On other transcripts: non-coding transcript variant (3).
Genome position (GRCh38, 1-based): chr5:132,638,197, C>T. VCF-style: chr5-132638197-C-T. GRCh37 (hg19) VCF-style: chr5-131973889-C-T.
Other names: short protein forms R1198*.
Identifiers: ClinVar variation 486234 (VCV000486234.18), dbSNP rs761837416, ClinGen allele CA3405620.

ClinVar aggregate classification (germline): Pathogenic/Likely pathogenic. Review status: criteria provided, multiple submitters, no conflicts (2 of 4 stars). 6 submissions from 6 submitters: Pathogenic (3); Likely pathogenic (3). Last evaluated 2025-11-27.

Conditions:
Hereditary cancer-predisposing syndrome. Also called: Hereditary Cancer Syndrome; Tumor predisposition; Neoplastic Syndromes, Hereditary; Hereditary neoplastic syndrome. Identifiers: Orphanet 140162, MedGen C0027672, MeSH D009386, MONDO:0015356.
Nijmegen breakage syndrome-like disorder (NBSLD). Also called: MICROCEPHALY AND SPONTANEOUS CHROMOSOME INSTABILITY WITHOUT IMMUNODEFICIENCY; NBS-LIKE DISORDER; RAD50 DEFICIENCY. Identifiers: Orphanet 240760, MedGen C2751318, MONDO:0013118, OMIM 613078.

Allele frequency attached by ClinVar (database versions not stated): ExAC 0.00001; gnomAD exomes below 0.00001 and 0.00001; gnomAD 0.00002; TOPMed 0.00002.
gnomAD v4.1: 10 of 1,613,968 alleles (0.00062%); highest among the groups gnomAD compares: South Asian, 0.0022%; no homozygotes.

Submissions (6):

Dasa
Classification: Likely pathogenic. Last evaluated: 2025-11-27. Review status: criteria provided, single submitter. Criteria: DASA Assertion Criteria. Collection method: clinical testing. Allele origin: germline.
Comment: NM_005732.4(RAD50):c.3592C>T (p.Arg1198*) introduces a premature termination codon predicted to result in loss of normal protein function. Loss-of-function is an established mechanism of disease for this gene. The variant is present at low frequency in population datasets. Based on the available data, this variant is classified as likely pathogenic.

Labcorp Genetics (formerly Invitae), Labcorp
Classification: Pathogenic for Hereditary cancer-predisposing syndrome. Last evaluated: 2025-09-19. Review status: criteria provided, single submitter. Criteria: Invitae Variant Classification Sherloc (09022015). Collection method: clinical testing. Allele origin: germline.
Comment: This sequence change creates a premature translational stop signal (p.Arg1198*) in the RAD50 gene. It is expected to result in an absent or disrupted protein product. Loss-of-function variants in RAD50 are known to be pathogenic (PMID: 19409520). This variant is present in population databases (rs761837416, gnomAD 0.007%). This variant has not been reported in the literature in individuals affected with RAD50-related conditions. ClinVar contains an entry for this variant (Variation ID: 486234). For these reasons, this variant has been classified as Pathogenic.

Genomic Medicine Center of Excellence, King Faisal Specialist Hospital and Research Centre
Classification: Pathogenic for Nijmegen breakage syndrome-like disorder. Last evaluated: 2024-03-29. Review status: criteria provided, single submitter. Criteria: ACMG Guidelines, 2015. Collection method: clinical testing. Allele origin: germline.

Ambry Genetics
Classification: Pathogenic for Hereditary cancer-predisposing syndrome. Last evaluated: 2022-08-24. Review status: criteria provided, single submitter. Criteria: Ambry Variant Classification Scheme 2023. Collection method: clinical testing. Allele origin: germline.
Comment: The p.R1198* pathogenic mutation (also known as c.3592C>T), located in coding exon 23 of the RAD50 gene, results from a C to T substitution at nucleotide position 3592. This changes the amino acid from an arginine to a stop codon within coding exon 23. This alteration is expected to result in loss of function by premature protein truncation or nonsense-mediated mRNA decay. As such, this alteration is interpreted as a disease-causing mutation.

Baylor Genetics
Classification: Likely pathogenic for Nijmegen breakage syndrome-like disorder. Last evaluated: 2021-11-17. Review status: criteria provided, single submitter. Criteria: ACMG Guidelines, 2015. Collection method: clinical testing. Allele origin: unknown.

Genesis Genomics
Classification: Likely pathogenic for Nijmegen breakage syndrome-like disorder. Review status: criteria provided, single submitter. Criteria: ACMG Guidelines, 2015. Collection method: clinical testing. Allele origin: germline. Affected: yes. Observed: 1 variant allele.

Literature cited by the submitters: PubMed 19409520 (cited by Labcorp Genetics (formerly Invitae), Labcorp).